The following is an entry in ClinVar:

NM_004984.4(KIF5A):c.2656G>A (p.Ala886Thr)

Gene: KIF5A (kinesin family member 5A; plus strand). Cytogenetic location: 12q13.3.
Variant type: single nucleotide variant.
Coding change: c.2656G>A on transcript NM_004984.4 (MANE Select); coding-DNA position 2656, G replaced by A.
Protein change: p.Ala886Thr; replaces alanine 886 with threonine.
Molecular consequence: missense variant.
Genome position (GRCh38, 1-based): chr12:57,581,073, G>A. VCF-style: chr12-57581073-G-A. GRCh37 (hg19) VCF-style: chr12-57974856-G-A.
Other names: c.2389G>A, p.Ala797Thr (NM_001354705.2); short protein forms A797T, A886T.
Identifiers: ClinVar variation 3764147 (VCV003764147.1).

ClinVar aggregate classification (germline): Uncertain significance (1 of 4 stars; one submission).

gnomAD v4.1: 4 of 1,613,990 alleles (0.00025%); highest among the groups gnomAD compares: Non-Finnish European, 0.00034%; no homozygotes.

Submission:

GeneDx
Classification: Uncertain significance. Last evaluated: 2024-08-23. Review status: criteria provided, single submitter. Criteria: GeneDx Variant Classification Process June 2021. Collection method: clinical testing. Allele origin: germline. Affected: yes.
Comment: Not observed at significant frequency in large population cohorts (gnomAD); In silico analysis supports that this missense variant has a deleterious effect on protein structure/function; Has not been previously published as pathogenic or benign to our knowledge